The following is an entry in ClinVar:

ClinVar aggregate classification (germline): Conflicting classifications of pathogenicity. Review status: criteria provided, conflicting classifications (1 of 4 stars). 3 submissions from 3 submitters: Uncertain significance (2); Likely benign (1). Last evaluated 2026-01-01.

Conditions:
Thrombocythemia 1 (THCYT1). Also called: THROMBOCYTHEMIA, SOMATIC; THROMBOCYTOSIS 1. Identifiers: MedGen C3277671, MONDO:0008554, OMIM 187950.

Allele frequency attached by ClinVar (database versions not stated): gnomAD 0.00036 and 0.00035; TOPMed 0.00037; gnomAD exomes 0.00054 and 0.00032; ExAC 0.00070; 1000 Genomes Project 30x 0.00109; 1000 Genomes Project 0.00240.
gnomAD v4.1: 773 of 1,489,000 alleles (0.052%); highest among the groups gnomAD compares: Admixed American, 0.097%; 1 homozygote.

Submissions (3):

CeGaT Center for Human Genetics Tuebingen
Classification: Likely benign. Last evaluated: 2026-01-01. Review status: criteria provided, single submitter. Criteria: CeGaT Center For Human Genetics Tuebingen Variant Classification Criteria Version 2. Collection method: clinical testing. Allele origin: germline. Affected: yes. Observed: 1 variant allele.
Comment: SH2B3: BS2

Johns Hopkins Genomics, Johns Hopkins University
Classification: Uncertain significance for Thrombocythemia 1. Last evaluated: 2022-12-14. Review status: criteria provided, single submitter. Criteria: ACMG Guidelines, 2015. Collection method: clinical testing. Allele origin: germline.
Comment: This SH2B3 missense variant has been reported in two individuals, one with idiopathic erythrocytosis, and the other with overhydrated stomatocytosis. c.464C>T (rs531156627) has an entry in ClinVar4 (Variation ID 1336169), and is rare (<0.1%) in a large population dataset (gnomAD v3.1.2: 55/151766 total alleles; 0.036%; no homozygotes). Of two bioinformatics tools queried, one predicts that the substitution would be damaging, while the other predicts that it would be tolerated, and the proline residue at this position is evolutionarily conserved across many of the species assessed. We consider the clinical significance of c.464C>T; p.Pro155Leu in SH2B3 to be uncertain at this time.

Genetic Services Laboratory, University of Chicago
Classification: Uncertain significance. Last evaluated: 2021-03-30. Review status: criteria provided, single submitter. Criteria: ACMG Guidelines, 2015. Collection method: clinical testing. Allele origin: germline. Affected: no.
Comment: This sequence change has been previously described in a patient with overhydrated stomatocytes and was classified as a variant of unknown significance (PMID: 31298594). This sequence change has been described in the gnomAD database with a low population frequency of 0.033% (dbSNP rs531156627). The p.Pro155Leu change affects a highly conserved amino acid residue located in a domain of the SH2B3 protein that is not known to be functional. In-silico pathogenicity prediction tools (SIFT, PolyPhen2, Align GVGD, REVEL) provide contradictory results for the p.Pro155Leu substitution. Due to these contrasting evidences and the lack of functional studies, the clinical significance of the p.Pro155Leu change remains unknown at this time.

Literature cited by the submitters: PubMed 23812944 (cited by Johns Hopkins Genomics, Johns Hopkins University); PubMed 28484264 (cited by Johns Hopkins Genomics, Johns Hopkins University); PubMed 31298594 (cited by Johns Hopkins Genomics, Johns Hopkins University).

NM_005475.3(SH2B3):c.464C>T (p.Pro155Leu)

Gene: SH2B3 (SH2B adaptor protein 3; plus strand). Cytogenetic location: 12q24.12.
Variant type: single nucleotide variant.
Coding change: c.464C>T on transcript NM_005475.3 (MANE Select); coding-DNA position 464, C replaced by T.
Protein change: p.Pro155Leu; replaces proline 155 with leucine.
Molecular consequence: missense variant.
Genome position (GRCh38, 1-based): chr12:111,418,609, C>T. VCF-style: chr12-111418609-C-T. GRCh37 (hg19) VCF-style: chr12-111856413-C-T.
Other names: short protein forms P155L.
Identifiers: ClinVar variation 1336169 (VCV001336169.9), dbSNP rs531156627, ClinGen allele CA6789675.